The following is an entry in ClinVar:

ClinVar aggregate classification (germline): Likely benign (0 of 4 stars; one submission).

Conditions:
XIRP2-related disorder. Also called: XIRP2-related condition.

Allele frequency attached by ClinVar (database versions not stated): TOPMed 0.00001; gnomAD 0.00007; ExAC 0.00020; gnomAD exomes 0.00025; 1000 Genomes Project 30x 0.00031; 1000 Genomes Project 0.00040.
gnomAD v4.1: 366 of 1,613,800 alleles (0.023%); highest among the groups gnomAD compares: East Asian, 0.81%; 7 homozygotes.

Submission:

PreventionGenetics, part of Exact Sciences
Classification: Likely benign for XIRP2-related condition. Last evaluated: 2022-03-31. Review status: no assertion criteria provided. Collection method: clinical testing. Allele origin: germline.
Comment: This variant is classified as likely benign based on ACMG/AMP sequence variant interpretation guidelines (Richards et al. 2015 PMID: 25741868, with internal and published modifications).

NM_152381.6(XIRP2):c.997G>C (p.Glu333Gln)

Gene: XIRP2 (xin actin binding repeat containing 2; plus strand). Cytogenetic location: 2q24.3.
Variant type: single nucleotide variant.
Coding change: c.997G>C on transcript NM_152381.6 (MANE Select); coding-DNA position 997, G replaced by C.
Protein change: p.Glu333Gln; replaces glutamic acid 333 with glutamine.
Molecular consequence: missense variant.
Genome position (GRCh38, 1-based): chr2:167,240,691, G>C. VCF-style: chr2-167240691-G-C. GRCh37 (hg19) VCF-style: chr2-168097201-G-C.
Other names: c.997G>C, p.Glu333Gln (NM_001079810.4); c.1096G>C, p.Glu366Gln (NM_001199143.2); c.331G>C, p.Glu111Gln (NM_001199144.2, NM_001199145.2); short protein forms E111Q, E333Q, E366Q.
Identifiers: ClinVar variation 3047590 (VCV003047590.2), dbSNP rs201745627, ClinGen allele CA1946347.